The following is an entry in ClinVar:

ClinVar aggregate classification (germline): Uncertain significance (1 of 4 stars; one submission).

Conditions:
Inborn genetic diseases. Identifiers: MedGen C0950123, MeSH D030342.

Submission:

Ambry Genetics
Classification: Uncertain significance for Inborn genetic diseases. Last evaluated: 2024-02-22. Review status: criteria provided, single submitter. Criteria: Ambry Variant Classification Scheme 2023. Collection method: clinical testing. Allele origin: germline.
Comment: The p.V1022D variant (also known as c.3065T>A), located in coding exon 23 of the BUB1B gene, results from a T to A substitution at nucleotide position 3065. The valine at codon 1022 is replaced by aspartic acid, an amino acid with highly dissimilar properties. This amino acid position is conserved. In addition, this alteration is predicted to be tolerated by in silico analysis. Since supporting evidence is limited at this time, the clinical significance of this alteration remains unclear.

NM_001211.6(BUB1B):c.3065T>A (p.Val1022Asp)

Genes: BUB1B (BUB1 mitotic checkpoint serine/threonine kinase B; plus strand), BUB1B-PAK6 (BUB1B-PAK6 readthrough; plus strand). Cytogenetic location: 15q15.1.
Variant type: single nucleotide variant.
Coding change: c.3065T>A on transcript NM_001211.6 (MANE Select); coding-DNA position 3065, T replaced by A.
Protein change: p.Val1022Asp; replaces valine 1022 with aspartic acid.
Molecular consequence: missense variant. On other transcripts: intron variant (2).
Genome position (GRCh38, 1-based): chr15:40,220,671, T>A. VCF-style: chr15-40220671-T-A. GRCh37 (hg19) VCF-style: chr15-40512872-T-A.
Other names: c.-201+3004T>A (NM_001128628.3); c.-118+3004T>A (NM_001128629.3); short protein forms V1022D.
Identifiers: ClinVar variation 1799422 (VCV001799422.2), dbSNP rs2542594119, ClinGen allele CA391690083.